The following is an entry in ClinVar:

NM_133379.5(TTN):c.13455T>C (p.Pro4485=)

Gene: TTN (titin; minus strand). Cytogenetic location: 2q31.2.
Variant type: single nucleotide variant.
Coding change: c.13455T>C on transcript NM_133379.5; coding-DNA position 13455, T replaced by C.
Protein change: p.Pro4485=; no amino-acid change (proline 4485 retained).
Molecular consequence: synonymous variant. On other transcripts: intron variant (6).
Genome position (GRCh38, 1-based): chr2:178,748,945, A>G on the plus strand (T>C on the coding strand, the complement: TTN is on the minus strand). VCF-style: chr2-178748945-A-G. GRCh37 (hg19) VCF-style: chr2-179613672-A-G.
Other names: p.P4485P:CCT>CCC; c.10597+4179T>C (NM_133432.3); c.10360+4179T>C (NM_001256850.1, NM_133378.4); c.10222+4179T>C (NM_003319.4); c.10798+4179T>C (NM_133437.4); c.11311+4179T>C (NM_001267550.2); c.13455T>C (NM_133379.4).
Identifiers: ClinVar variation 47755 (VCV000047755.44), dbSNP rs146470872, ClinGen allele CA284452.

ClinVar aggregate classification (germline): Benign/Likely benign. Review status: criteria provided, multiple submitters, no conflicts (2 of 4 stars). 9 submissions from 9 submitters: Benign (4); Likely benign (2). 3 of the submissions do not count toward it. Last evaluated 2026-08-01.

Conditions:
TTN-related disorder. Also called: TTN-related disorders; TTN-related condition; TTN-related disease.

Allele frequency attached by ClinVar (database versions not stated): gnomAD exomes 0.00073 and 0.00152; gnomAD 0.00443 and 0.00477; 1000 Genomes Project 30x 0.00453; 1000 Genomes Project 0.00459; ESP Exome Variant Server 0.00462; ExAC 0.00167; TOPMed 0.00509.
gnomAD v4.1: 1,794 of 1,612,446 alleles (0.11%); highest among the groups gnomAD compares: African/African-American, 1.4%; 13 homozygotes.

Submissions (9):

CeGaT Center for Human Genetics Tuebingen
Classification: Likely benign. Last evaluated: 2026-08-01. Review status: criteria provided, single submitter. Criteria: CeGaT Center For Human Genetics Tuebingen Variant Classification Criteria Version 2. Collection method: clinical testing. Allele origin: germline. Affected: yes. Observed: 22 variant alleles.
Comment: TTN: BP4, BP7, BS1

Molecular Diagnostic Laboratory for Inherited Cardiovascular Disease, Montreal Heart Institute
Classification: Benign. Last evaluated: 2025-04-09. Review status: criteria provided, single submitter. Criteria: ACMG Guidelines, 2015. Collection method: clinical testing. Allele origin: germline. Affected: no.

Blueprint Genetics
Classification: Likely benign. Last evaluated: 2024-10-22. Review status: criteria provided, single submitter. Criteria: ACMG Guidelines, 2015. Collection method: clinical testing. Allele origin: germline.

ARUP Laboratories, Molecular Genetics and Genomics, ARUP Laboratories
Classification: Benign. Last evaluated: 2021-05-07. Review status: criteria provided, single submitter. Criteria: ARUP Molecular Germline Variant Investigation Process 2021. Collection method: clinical testing. Allele origin: germline.

GeneDx
Classification: Benign. Last evaluated: 2014-04-14. Review status: criteria provided, single submitter. Criteria: GeneDx Variant Classification (06012015). Collection method: clinical testing. Allele origin: germline. Affected: yes.
Comment: This variant is considered likely benign or benign based on one or more of the following criteria: it is a conservative change, it occurs at a poorly conserved position in the protein, it is predicted to be benign by multiple in silico algorithms, and/or has population frequency not consistent with disease.

Laboratory for Molecular Medicine, Mass General Brigham Personalized Medicine
Classification: Benign. Last evaluated: 2011-12-23. Review status: criteria provided, single submitter. Criteria: LMM Criteria. Collection method: clinical testing. Allele origin: germline. Observed: 6 variant alleles.

PreventionGenetics, part of Exact Sciences
Classification: Benign for TTN-related condition. Last evaluated: 2019-05-29. Review status: no assertion criteria provided. Collection method: clinical testing. Allele origin: germline. Not counted in ClinVar's aggregate classification.
Comment: This variant is classified as benign based on ACMG/AMP sequence variant interpretation guidelines (Richards et al. 2015 PMID: 25741868, with internal and published modifications).

Clinical Genetics, Academic Medical Center
Classification: Benign. Review status: no assertion criteria provided. Collection method: clinical testing. Allele origin: germline. Affected: yes. Study: VKGL Data-share Consensus. Not counted in ClinVar's aggregate classification.

Diagnostic Laboratory, Department of Genetics, University Medical Center Groningen
Classification: Likely benign. Review status: no assertion criteria provided. Collection method: clinical testing. Allele origin: germline. Affected: yes. Study: VKGL Data-share Consensus. Not counted in ClinVar's aggregate classification.